The following is an entry in ClinVar:

NM_022455.5(NSD1):c.6196G>T (p.Gly2066Ter)

Gene: NSD1 (nuclear receptor binding SET domain protein 1; plus strand). Cytogenetic location: 5q35.3.
Variant type: single nucleotide variant.
Coding change: c.6196G>T on transcript NM_022455.5 (MANE Select); coding-DNA position 6196, G replaced by T.
Protein change: p.Gly2066Ter; replaces glycine 2066 with a stop codon.
Molecular consequence: nonsense. On other transcripts: intron variant (1).
Genome position (GRCh38, 1-based): chr5:177,288,863, G>T. VCF-style: chr5-177288863-G-T. GRCh37 (hg19) VCF-style: chr5-176715864-G-T.
Other names: c.5323G>T, p.Gly1775Ter (NM_001365684.2, NM_001409308.1, NM_172349.5); c.6196G>T, p.Gly2066Ter (NM_001409301.1, NM_001409302.1, NM_001409303.1); c.5776G>T, p.Gly1926Ter (NM_001409304.1); c.5443G>T, p.Gly1815Ter (NM_001409305.1); c.5434G>T, p.Gly1812Ter (NM_001409306.1, NM_001409307.1); c.5137-3091G>T (NM_001409309.1); short protein forms G1812*, G2066*, G1926*, G1775*, G1815*.
Identifiers: ClinVar variation 4724747 (VCV004724747.1).

ClinVar aggregate classification (germline): Pathogenic (1 of 4 stars; one submission).

Submission:

Labcorp Genetics (formerly Invitae), Labcorp
Classification: Pathogenic. Last evaluated: 2025-08-05. Review status: criteria provided, single submitter. Criteria: Invitae Variant Classification Sherloc (09022015). Collection method: clinical testing. Allele origin: germline.
Comment: This sequence change creates a premature translational stop signal (p.Gly2066*) in the NSD1 gene. It is expected to result in an absent or disrupted protein product. Loss-of-function variants in NSD1 are known to be pathogenic (PMID: 12464997, 14571271, 15942875, 16247291). This variant is not present in population databases (gnomAD no frequency). This variant has not been reported in the literature in individuals affected with NSD1-related conditions. Algorithms developed to predict the effect of sequence changes on RNA splicing suggest that this variant may disrupt the consensus splice site. For these reasons, this variant has been classified as Pathogenic.

Literature cited by the submitters: PubMed 12464997; PubMed 14571271; PubMed 15942875; PubMed 16247291.